The following is an entry in ClinVar:

ClinVar aggregate classification (germline): Likely benign (1 of 4 stars; one submission).

Allele frequency attached by ClinVar (database versions not stated): gnomAD exomes 0.00001; TOPMed 0.00001; ExAC 0.00002.

Submission:

CeGaT Center for Human Genetics Tuebingen
Classification: Likely benign. Last evaluated: 2022-10-01. Review status: criteria provided, single submitter. Criteria: CeGaT Center For Human Genetics Tuebingen Variant Classification Criteria Version 2. Collection method: clinical testing. Allele origin: germline. Affected: yes. Observed: 1 variant allele.
Comment: MUC2: BP4, BP7

NM_002457.5(MUC2):c.12663A>G (p.Pro4221=)

Gene: MUC2 (mucin 2, oligomeric mucus/gel-forming; plus strand). Cytogenetic location: 11p15.5.
Variant type: single nucleotide variant.
Coding change: c.12663A>G on transcript NM_002457.5 (MANE Select); coding-DNA position 12663, A replaced by G.
Protein change: p.Pro4221=; no amino-acid change (proline 4221 retained).
Molecular consequence: synonymous variant.
Genome position (GRCh38, 1-based): chr11:1,099,997, A>G. VCF-style: chr11-1099997-A-G. GRCh37 (hg19) VCF-style: chr11-1093905-A-G.
Identifiers: ClinVar variation 2641152 (VCV002641152.24), dbSNP rs769097439, ClinGen allele CA5800496.